The following is an entry in ClinVar:

NM_000094.4(COL7A1):c.6751G>A (p.Gly2251Arg)

Gene: COL7A1 (collagen type VII alpha 1 chain; minus strand). Cytogenetic location: 3p21.31.
Variant type: single nucleotide variant.
Coding change: c.6751G>A on transcript NM_000094.4 (MANE Select); coding-DNA position 6751, G replaced by A.
Protein change: p.Gly2251Arg; replaces glycine 2251 with arginine.
Molecular consequence: missense variant.
Genome position (GRCh38, 1-based): chr3:48,572,942, C>T on the plus strand (G>A on the coding strand, the complement: COL7A1 is on the minus strand). VCF-style: chr3-48572942-C-T. GRCh37 (hg19) VCF-style: chr3-48610375-C-T.
Other names: short protein forms G2251R.
Identifiers: ClinVar variation 392725 (VCV000392725.2), dbSNP rs765034336, ClinGen allele CA16604602.

ClinVar aggregate classification (germline): Pathogenic (1 of 4 stars; one submission).

Allele frequency attached by ClinVar (database versions not stated): TOPMed below 0.00001; gnomAD 0.00001.
gnomAD v4.1: 1 of 1,613,924 alleles (0.000062%); highest among the groups gnomAD compares: African/African-American, 0.0013%; no homozygotes.

Submission:

GeneDx
Classification: Pathogenic. Last evaluated: 2017-01-10. Review status: criteria provided, single submitter. Criteria: GeneDx Variant Classification (06012015). Collection method: clinical testing. Allele origin: germline. Affected: yes.
Comment: The G2251R variant in the COL7A1 gene has not been reported previously as a pathogenic variant nor as a benign variant, to our knowledge. The G2251R variant was not observed in approximately 6500 individuals of European and African American ancestry in the NHLBI Exome Sequencing Project, indicating it is not a common benign variant in these populations. The G2251R variant is a non-conservative amino acid substitution, which is likely to impact secondary protein structure as these residues differ in polarity, charge, size and/or other properties. This substitution occurs at a position that is conserved across species. In silico analysis predicts this variant is probably damaging to the protein structure/function as it occurs at the first Glycine position of the canonical Gly-X-Y repeat in the collagenous domain of the COLVII protein. Glycine substitution variants in this region of the collagen VII protein will destabilize the collagen triple helix resulting in anchoring fibrils that are fragile and result in poor anchoring off the basement membrane to the underlying dermis. Missense variants at the same residue (G2251A,E)) have been reported in the Human Gene Mutation Database in association with DEB (Stenson et al., 2014), supporting the functional importance of this region of the protein. We interpret G2251R as a pathogenic variant. Glycine substitution variations in colVII can have either autosomal dominant or recessive inheritance patterns even in different individuals within the same family (Almaani et al 2011, E Pfendner unpublished), therefore carrier testing of both parents is important in determining recurrence risk.